The following is an entry in ClinVar:

ClinVar aggregate classification (germline): Uncertain significance (1 of 4 stars; one submission).

Conditions:
Inborn genetic diseases. Identifiers: MedGen C0950123, MeSH D030342.

Allele frequency attached by ClinVar (database versions not stated): gnomAD 0.00004; gnomAD exomes 0.00002; TOPMed 0.00002; ExAC 0.00006.
gnomAD v4.1: 38 of 1,599,234 alleles (0.0024%); highest among the groups gnomAD compares: African/African-American, 0.008%; no homozygotes.

Submission:

Ambry Genetics
Classification: Uncertain significance for Inborn genetic diseases. Last evaluated: 2016-10-20. Review status: criteria provided, single submitter. Criteria: Ambry Variant Classification Scheme 2023. Collection method: clinical testing. Allele origin: germline.
Comment: The p.E1128K variant (also known as c.3382G>A), located in coding exon 22 of the TRAPPC9 gene, results from a G to A substitution at nucleotide position 3382. The glutamic acid at codon 1128 is replaced by lysine, an amino acid with similar properties. This variant was not reported in population based cohorts in the following databases: Database of Single Nucleotide Polymorphisms (dbSNP), NHLBI Exome Sequencing Project (ESP), and 1000 Genomes Project. In the ESP, this variant was not observed in 6488 samples (12976 alleles) with coverage at this position. This amino acid position is not well conserved in available vertebrate species. In addition, this alteration is predicted to be tolerated by in silico analysis. Since supporting evidence is limited at this time, the clinical significance of this variant remains unclear.

NM_001160372.4(TRAPPC9):c.3088G>A (p.Glu1030Lys)

Gene: TRAPPC9 (trafficking protein particle complex subunit 9; minus strand). Cytogenetic location: 8q24.3.
Variant type: single nucleotide variant.
Coding change: c.3088G>A on transcript NM_001160372.4 (MANE Select); coding-DNA position 3088, G replaced by A.
Protein change: p.Glu1030Lys; replaces glutamic acid 1030 with lysine.
Molecular consequence: missense variant. On other transcripts: non-coding transcript variant (1).
Genome position (GRCh38, 1-based): chr8:139,732,170, C>T on the plus strand (G>A on the coding strand, the complement: TRAPPC9 is on the minus strand). VCF-style: chr8-139732170-C-T. GRCh37 (hg19) VCF-style: chr8-140744413-C-T.
Other names: c.3061G>A, p.Glu1021Lys (NM_001321646.2); c.3109G>A, p.Glu1037Lys (NM_001374682.1); c.2977G>A, p.Glu993Lys (NM_001374683.1); c.2944G>A, p.Glu982Lys (NM_001374684.1); c.3088G>A, p.Glu1030Lys (NM_031466.8); short protein forms E1030K, E1021K, E1037K, E982K, E993K.
Identifiers: ClinVar variation 589435 (VCV000589435.6), dbSNP rs766920866, ClinGen allele CA4892810.